The following is an entry in ClinVar:

ClinVar aggregate classification (germline): Uncertain significance. Review status: criteria provided, multiple submitters, no conflicts (2 of 4 stars). 3 submissions from 3 submitters: Uncertain significance (3). Last evaluated 2025-07-12.

Conditions:
Inborn genetic diseases. Identifiers: MedGen C0950123, MeSH D030342.

Allele frequency attached by ClinVar (database versions not stated): TOPMed 0.00016; gnomAD 0.00018; gnomAD exomes 0.00018; 1000 Genomes Project 0.00020; 1000 Genomes Project 30x 0.00031; ESP Exome Variant Server 0.00034; ExAC 0.00036.
gnomAD v4.1: 679 of 1,582,368 alleles (0.043%); highest among the groups gnomAD compares: Non-Finnish European, 0.057%; no homozygotes.

Submissions (3):

Ambry Genetics
Classification: Uncertain significance for Inborn genetic diseases. Last evaluated: 2025-07-12. Review status: criteria provided, single submitter. Criteria: Ambry Variant Classification Scheme 2023. Collection method: clinical testing. Allele origin: germline.

Blueprint Genetics
Classification: Uncertain significance. Last evaluated: 2024-11-07. Review status: criteria provided, single submitter. Criteria: ACMG Guidelines, 2015. Collection method: clinical testing. Allele origin: germline.

Labcorp Genetics (formerly Invitae), Labcorp
Classification: Uncertain significance. Last evaluated: 2022-06-13. Review status: criteria provided, single submitter. Criteria: Invitae Variant Classification Sherloc (09022015). Collection method: clinical testing. Allele origin: germline.
Comment: This sequence change replaces asparagine, which is neutral and polar, with serine, which is neutral and polar, at codon 1402 of the MPDZ protein (p.Asn1402Ser). This variant is present in population databases (rs202204714, gnomAD 0.04%). This variant has not been reported in the literature in individuals affected with MPDZ-related conditions. Algorithms developed to predict the effect of missense changes on protein structure and function are either unavailable or do not agree on the potential impact of this missense change (SIFT: "Deleterious"; PolyPhen-2: "Benign"; Align-GVGD: "Class C45"). In summary, the available evidence is currently insufficient to determine the role of this variant in disease. Therefore, it has been classified as a Variant of Uncertain Significance.

NM_001378778.1(MPDZ):c.4205A>G (p.Asn1402Ser)

Gene: MPDZ (multiple PDZ domain crumbs cell polarity complex component; minus strand). Cytogenetic location: 9p23.
Variant type: single nucleotide variant.
Coding change: c.4205A>G on transcript NM_001378778.1 (MANE Select); coding-DNA position 4205, A replaced by G.
Protein change: p.Asn1402Ser; replaces asparagine 1402 with serine.
Molecular consequence: missense variant.
Genome position (GRCh38, 1-based): chr9:13,136,799, T>C on the plus strand (A>G on the coding strand, the complement: MPDZ is on the minus strand). VCF-style: chr9-13136799-T-C. GRCh37 (hg19) VCF-style: chr9-13136798-T-C.
Other names: c.4106A>G, p.Asn1369Ser (NM_001261406.2, NM_001261407.2, NM_001375416.1 and 3 more transcripts); c.4205A>G, p.Asn1402Ser (NM_001330637.2, NM_001375413.1, NM_003829.5); c.3995A>G, p.Asn1332Ser (NM_001375420.1, NM_001375421.1, NM_001375422.1 and 4 more transcripts); c.3797A>G, p.Asn1266Ser (NM_001375427.1); c.4205A>G (NM_003829.3); short protein forms N1402S, N1332S, N1369S, N1266S.
Identifiers: ClinVar variation 1353478 (VCV001353478.6), dbSNP rs202204714, ClinGen allele CA4986792.
Genomic context (GRCh38, chr9:13,136,799, plus strand): 5'-GGGGCACATTTAATGATTGATGAGGCATTCTGATGACTTCTTCCATATAAAATCTGACCA[T>C]TGATCTGTGAGAAATAAATATCATTAGTTGGGCCTGAAATCTTAGTATCATAAAGTTTTA-3'
Protein context (NP_001365707.1, residues 1392-1412): LQIADELLEI[Asn1402Ser]GQILYGRSHQ